The following is an entry in ClinVar:

NM_000393.5(COL5A2):c.1105-11T>G

Gene: COL5A2 (collagen type V alpha 2 chain; minus strand). Cytogenetic location: 2q32.2.
Variant type: single nucleotide variant.
Coding change: c.1105-11T>G on transcript NM_000393.5 (MANE Select); 11 bases into the intron before coding-DNA position 1105, T replaced by G.
Molecular consequence: intron variant.
Genome position (GRCh38, 1-based): chr2:189,072,104, A>C on the plus strand (T>G on the coding strand, the complement: COL5A2 is on the minus strand). VCF-style: chr2-189072104-A-C. GRCh37 (hg19) VCF-style: chr2-189936830-A-C.
Identifiers: ClinVar variation 388856 (VCV000388856.4), dbSNP rs1057523251, ClinGen allele CA16603987.

ClinVar aggregate classification (germline): Likely benign. Review status: criteria provided, multiple submitters, no conflicts (2 of 4 stars). 2 submissions from 2 submitters: Likely benign (2). Last evaluated 2025-10-08.

Conditions:
Ehlers-Danlos syndrome, classic type, 1 (EDSCL1). Also called: EHLERS-DANLOS SYNDROME, GRAVIS TYPE; EHLERS-DANLOS SYNDROME, SEVERE CLASSIC TYPE; Ehlers-Danlos Syndrome, Classic Type, COL5A1-Related; EDS I; Ehlers-Danlos syndrome, type 1. Identifiers: MedGen C0268335, MONDO:0019567, OMIM 130000.

Submissions (2):

Labcorp Genetics (formerly Invitae), Labcorp
Classification: Likely benign for Ehlers-Danlos syndrome, classic type, 1. Last evaluated: 2025-10-08. Review status: criteria provided, single submitter. Criteria: Invitae Variant Classification Sherloc (09022015). Collection method: clinical testing. Allele origin: germline.

GeneDx
Classification: Likely benign. Last evaluated: 2016-08-22. Review status: criteria provided, single submitter. Criteria: GeneDx Variant Classification (06012015). Collection method: clinical testing. Allele origin: germline. Affected: yes.
Comment: This variant is considered likely benign or benign based on one or more of the following criteria: it is a conservative change, it occurs at a poorly conserved position in the protein, it is predicted to be benign by multiple in silico algorithms, and/or has population frequency not consistent with disease.